The following is an entry in ClinVar:

ClinVar aggregate classification (germline): Pathogenic/Likely pathogenic. Review status: criteria provided, multiple submitters, no conflicts (2 of 4 stars). 5 submissions from 5 submitters: Pathogenic (2); Likely pathogenic (2). 1 of the submissions does not count toward it. Last evaluated 2025-10-06.

Conditions:
Intellectual developmental disorder with abnormal behavior, microcephaly, and short stature. Identifiers: MedGen C5193039, MONDO:0032687, OMIM 618342.

Submissions (5):

Laboratoire de Génétique Moléculaire, CHU Bordeaux
Classification: Pathogenic for Intellectual developmental disorder with abnormal behavior, microcephaly, and short stature. Last evaluated: 2025-10-06. Review status: criteria provided, single submitter. Criteria: ACMG Guidelines, 2015. Collection method: clinical testing. Allele origin: germline. Affected: yes.

Genomic Medicine Center of Excellence, King Faisal Specialist Hospital and Research Centre
Classification: Pathogenic for Intellectual developmental disorder with abnormal behavior, microcephaly, and short stature. Last evaluated: 2024-03-17. Review status: criteria provided, single submitter. Criteria: ACMG Guidelines, 2015. Collection method: research. Allele origin: germline.

GeneDx
Classification: Likely pathogenic. Last evaluated: 2022-07-19. Review status: criteria provided, single submitter. Criteria: GeneDx Variant Classification Process June 2021. Collection method: clinical testing. Allele origin: germline. Affected: yes.
Comment: Published functional studies demonstrate an adverse affect through impaired pseudouridylation (Shaheen et al., 2019); Not observed at significant frequency in large population cohorts (gnomAD); In silico analysis supports that this missense variant has a deleterious effect on protein structure/function; In-silico analysis is inconclusive as to whether the variant alters gene splicing. In the absence of RNA/functional studies, the actual effect of this sequence change is unknown.; This variant is associated with the following publications: (PMID: 30778726)

Labcorp Genetics (formerly Invitae), Labcorp
Classification: Likely pathogenic. Last evaluated: 2020-12-25. Review status: criteria provided, single submitter. Criteria: Invitae Variant Classification Sherloc (09022015). Collection method: clinical testing. Allele origin: germline.
Comment: In summary, the currently available evidence indicates that the variant is pathogenic, but additional data are needed to prove that conclusively. Therefore, this variant has been classified as Likely Pathogenic. This sequence change replaces aspartic acid with tyrosine at codon 509 of the PUS7 protein (p.Asp509Tyr). The aspartic acid residue is highly conserved and there is a large physicochemical difference between aspartic acid and tyrosine. This variant is not present in population databases (ExAC no frequency). This variant has been observed in individual(s) with clinical features of PUS7-related neurodevelopmental disorder (PMID: 30778726). It has also been observed to segregate with disease in related individuals. This variant is also known as c.1507G>T (p.Asp503Tyr). ClinVar contains an entry for this variant (Variation ID: 619233). Experimental studies have shown that this variant affects PUS7 protein function (PMID: 30778726).

OMIM
Classification: Pathogenic for INTELLECTUAL DEVELOPMENTAL DISORDER WITH ABNORMAL BEHAVIOR, MICROCEPHALY, AND SHORT STATURE. Last evaluated: 2019-03-05. Review status: no assertion criteria provided. Collection method: literature only. Allele origin: germline. Not counted in ClinVar's aggregate classification.

Literature cited by the submitters: This variant is predicted likely pathogenic by in-silico predictors, with a 28 CADD Phred score and is absent in gnomAD. It was found homozygous. (cited by Laboratoire de Génétique Moléculaire, CHU Bordeaux); PubMed 30778726 (cited by Labcorp Genetics (formerly Invitae), Labcorp and OMIM).

NM_019042.5(PUS7):c.1507G>T (p.Asp503Tyr)

Gene: PUS7 (pseudouridine synthase 7; minus strand). Cytogenetic location: 7q22.3.
Variant type: single nucleotide variant.
Coding change: c.1507G>T on transcript NM_019042.5 (MANE Select); coding-DNA position 1507, G replaced by T.
Protein change: p.Asp503Tyr; replaces aspartic acid 503 with tyrosine.
Molecular consequence: missense variant.
Genome position (GRCh38, 1-based): chr7:105,468,355, C>A on the plus strand (G>T on the coding strand, the complement: PUS7 is on the minus strand). VCF-style: chr7-105468355-C-A. GRCh37 (hg19) VCF-style: chr7-105108802-C-A.
Other names: c.1525G>T, p.Asp509Tyr (NM_001318163.1); c.1507G>T, p.Asp503Tyr (NM_001318164.2); c.1507G>T (NM_019042.4); short protein forms D503Y, D509Y.
Identifiers: ClinVar variation 619233 (VCV000619233.9), dbSNP rs1444559235, ClinGen allele CA368787789.